The following is an entry in ClinVar:

ClinVar aggregate classification (germline): Likely pathogenic (1 of 4 stars; one submission).

Conditions:
Familial benign pemphigus (HHD). Identifiers: Orphanet 2841, MedGen C0085106, MONDO:0008218, OMIM 169600.

Submission:

CGC Genetics, Unilabs
Classification: Likely pathogenic for Familial benign pemphigus. Last evaluated: 2025-06-26. Review status: criteria provided, single submitter. Criteria: ACMG Guidelines, 2015. Collection method: clinical testing. Allele origin: germline. Inheritance: Autosomal dominant inheritance. Affected: yes. Observed: 1 variant allele.
Comment: The NM_001378687.1:c.394_403del p.(Ser132Cysfs*54) variant, detected in heterozygosity in exon 7 (of 28) of the ATP2C1 gene (chr.3), is not reported in the literature, nor in the gnomAD database at the time of this submission. This is a frameshift variant that introduces a premature stop codon, which in turn is expected to lead to the creation of a truncated protein and/or a reduction in its expression due to mRNA degradation. With the information currently available, this should be classified as a likely pathogenic variant.

NM_001378687.1(ATP2C1):c.394_403del (p.Ser132fs)

Gene: ATP2C1 (ATPase secretory pathway Ca2+ transporting 1; plus strand). Cytogenetic location: 3q22.1.
Variant type: Deletion.
Coding change: c.394_403del on transcript NM_001378687.1 (MANE Select); coding-DNA positions 394 to 403, 10 bases deleted (AGTAAACTTG; older notation c.394_403delAGTAAACTTG).
Protein change: p.Ser132fs; shifts the reading frame from serine 132.
Molecular consequence: frameshift variant.
Genome position (GRCh38, 1-based): chr3:130,940,663-130,940,672, AGTAAACTTG deleted; deleting any 10 consecutive bases within chr3:130,940,660-130,940,672 gives the same sequence; the c. name uses the placement nearest the transcript's 3' end. VCF-style (leftmost placement, unchanged base first): chr3-130940659-ATTGAGTAAAC-A. GRCh37 (hg19) VCF-style: chr3-130659503-ATTGAGTAAAC-A.
Other names: c.394_403del, p.Ser132fs (NM_001001485.3, NM_001001486.2, NM_001001487.2 and 5 more transcripts); c.496_505del, p.Ser166fs (NM_001199180.2, NM_001199181.3, NM_001378511.1); c.379_388del, p.Ser127fs (NM_001199182.2); c.346_355del, p.Ser116fs (NM_001199183.2, NM_001199184.3, NM_001378514.1); short protein forms S116fs, S127fs, S132fs, S166fs.
Identifiers: ClinVar variation 4851612 (VCV004851612.1).